The following is an entry in ClinVar:

NM_002485.5(NBN):c.425A>G (p.Asn142Ser)

Gene: NBN (nibrin; minus strand). Cytogenetic location: 8q21.3.
Variant type: single nucleotide variant.
Coding change: c.425A>G on transcript NM_002485.5 (MANE Select); coding-DNA position 425, A replaced by G.
Protein change: p.Asn142Ser; replaces asparagine 142 with serine.
Molecular consequence: missense variant.
Genome position (GRCh38, 1-based): chr8:89,980,789, T>C on the plus strand (A>G on the coding strand, the complement: NBN is on the minus strand). VCF-style: chr8-89980789-T-C. GRCh37 (hg19) VCF-style: chr8-90993017-T-C.
Other names: p.N142S:AAT>AGT; c.179A>G, p.Asn60Ser (NM_001024688.3); short protein forms N142S, N60S.
Identifiers: ClinVar variation 127871 (VCV000127871.48), dbSNP rs769414, ClinGen allele CA160978.

ClinVar aggregate classification (germline): Conflicting classifications of pathogenicity. Review status: criteria provided, conflicting classifications (1 of 4 stars). 18 submissions from 18 submitters: Uncertain significance (4); Benign (1); Likely benign (11). 2 of the submissions do not count toward it. Last evaluated 2026-01-21.

Conditions:
NBN-related disorder. Also called: NBN-related condition.
Hereditary cancer. Identifiers: MedGen C1333600.
Aplastic anemia. Identifiers: Orphanet 182040, Orphanet 88, MedGen C0002874, MONDO:0015909, OMIM 609135, HP:0001915.
Microcephaly, normal intelligence and immunodeficiency (NBS). Also called: SEEMANOVA SYNDROME II; Microcephaly with normal intelligence immunodeficiency and lymphoreticular malignancies; Nonsyndromal microcephaly autosomal recessive with normal intelligence; Seemanova syndrome 2; IMMUNODEFICIENCY, MICROCEPHALY, AND CHROMOSOMAL INSTABILITY; Immunodeficiency, microcephaly with normal intelligence. Identifiers: Orphanet 647, MedGen C0398791, MONDO:0009623, OMIM 251260.
Acute lymphoid leukemia (ALL). Also called: Lymphoblastic leukemia; Acute lymphoblastic leukemia; Acute lymphocytic leukemia; Leukemia, acute lymphoblastic, somatic. Identifiers: Orphanet 513, MedGen C0023449, MONDO:0004967, OMIM 613065, HP:0006721.
Hereditary cancer-predisposing syndrome. Also called: Neoplastic Syndromes, Hereditary; Tumor predisposition; Hereditary Cancer Syndrome; Hereditary neoplastic syndrome. Identifiers: Orphanet 140162, MedGen C0027672, MeSH D009386, MONDO:0015356.
Malignant tumor of breast. Also called: Cancer breast; Malignant breast neoplasm. Identifiers: MedGen C0006142, MONDO:0007254. Disease mechanism: loss of function.

Allele frequency attached by ClinVar (database versions not stated): ESP Exome Variant Server 0.00008; ExAC 0.00013; gnomAD exomes 0.00017 and 0.00018; gnomAD 0.00033; TOPMed 0.00034.
gnomAD v4.1: 341 of 1,613,620 alleles (0.021%); highest among the groups gnomAD compares: Middle Eastern, 0.81%; no homozygotes.

Submissions 1 to 17 of 18:

Labcorp Genetics (formerly Invitae), Labcorp
Classification: Benign for Microcephaly, normal intelligence and immunodeficiency. Last evaluated: 2026-01-21. Review status: criteria provided, single submitter. Criteria: Invitae Variant Classification Sherloc (09022015). Collection method: clinical testing. Allele origin: germline.

Mayo Clinic Laboratories, Mayo Clinic
Classification: Likely benign. Last evaluated: 2025-12-02. Review status: criteria provided, single submitter. Criteria: ACMG Guidelines, 2015. Collection method: clinical testing. Allele origin: germline. Observed: 4 variant alleles.
Comment: BP4, BP6

Laboratorio de I+D, Fundación Centro Médico de Asturias
Classification: Likely benign for Hereditary cancer-predisposing syndrome. Last evaluated: 2025-07-13. Review status: criteria provided, single submitter. Criteria: ACMG Guidelines, 2015. Collection method: clinical testing. Allele origin: germline.
Comment: BP4_Strong+BS3+PP1+PM2_Supporting

Quest Diagnostics Nichols Institute San Juan Capistrano
Classification: Uncertain significance. Last evaluated: 2025-05-13. Review status: criteria provided, single submitter. Criteria: Quest Diagnostics criteria. Collection method: clinical testing. Allele origin: unknown.
Comment: The NBN c.425A>G (p.Asn142Ser) variant has been reported in individuals with breast/ovarian cancer (PMIDs: 34646395 (2021), 32885271 (2021), 31206626 (2019), 26315354 (2015)), including an individual who also carried a pathogenic variant in the BRCA2 gene (Burney I, IJ Clin Img and Med Rev. 2022; 1(1): 1010). In addition, this variant has been observed in individuals with leukemia (PMID: 26979391 (2016)) and lymphoma (PMID: 36155879 (2023)), as well as in reportedly unaffected individuals (PMIDs: 29641532 (2018), 26315354 (2015), 24894818 (2014), 24728327 (2014)). The frequency of this variant in the general population (Genome Aggregation Database) is uninformative in the assessment of its pathogenicity. Analysis of this variant using bioinformatics tools for the prediction of the effect of amino acid changes on protein structure and function yielded predictions that this variant is benign. Based on the available information, we are unable to determine the clinical significance of this variant.

PreventionGenetics, part of Exact Sciences
Classification: Likely benign for NBN-related condition. Last evaluated: 2025-03-10. Review status: criteria provided, single submitter. Criteria: ACMG Guidelines, 2015. Collection method: clinical testing. Allele origin: germline.
Comment: This variant is classified as likely benign based on ACMG/AMP sequence variant interpretation guidelines (Richards et al. 2015 PMID: 25741868, with internal and published modifications).

Dasa
Classification: Likely benign. Last evaluated: 2024-12-13. Review status: criteria provided, single submitter. Criteria: DASA Assertion Criteria. Collection method: clinical testing. Allele origin: germline.
Comment: NM_002485.5(NBN):c.425A>G (p.Asn142Ser) is a missense variant that results in the substitution of asparagine with serine. Computational prediction algorithms are consistent with a benign effect. Therefore, based on the currently available evidence, this variant is classified as likely benign.

Blueprint Genetics
Classification: Likely benign. Last evaluated: 2024-11-05. Review status: criteria provided, single submitter. Criteria: ACMG Guidelines, 2015. Collection method: clinical testing. Allele origin: germline.

Women's Health and Genetics/Laboratory Corporation of America, LabCorp
Classification: Likely benign. Last evaluated: 2024-05-25. Review status: criteria provided, single submitter. Criteria: LabCorp Variant Classification Summary - May 2015. Collection method: clinical testing. Allele origin: germline.
Comment: Variant summary: NBN c.425A>G (p.Asn142Ser) results in a conservative amino acid change located in the BRCT domain of the encoded protein sequence. Five of five in-silico tools predict a benign effect of the variant on protein function. The variant allele was found at a frequency of 0.00018 in 258668 control chromosomes, predominantly at a frequency of 0.00043 within the Latino subpopulation in the gnomAD database. The observed variant frequency within Latino control individuals in the gnomAD database is approximately 3.44 fold of the estimated maximal expected allele frequency for a pathogenic variant in NBN causing Hereditary Breast And Ovarian Cancer Syndrome phenotype (0.00013). This variant has also been reported in the FLOSSIES database among women older than age 70 who have never had cancer. c.425A>G has been reported in the literature as a non-deleterious variant or a VUS in settings of multigene panel testing among individuals affected with breast and/or ovarian cancer (example, Ramus_2015, Young_2016, Weitzel_2019, Laraqui_2021, deOlivier_2022) and in at least one patient with hypogammaglobulinemia and lymphoma (example: Allain_2023). These report(s) do not provide unequivocal conclusions about association of the variant with Hereditary Breast And Ovarian Cancer Syndrome. To our knowledge, no experimental evidence demonstrating an impact on protein function has been reported. The following publications have been ascertained in the context of this evaluation (PMID: 36155879, 24728327, 23525077, 34646395, 12376507, 31278556, 26315354, 12427538, 31206626, 26787654, 35534704). ClinVar contains an entry for this variant (Variation ID: 127871). Based on the evidence outlined above, the variant was classified as likely benign.

Mendelics
Classification: Likely benign for Hereditary cancer. Last evaluated: 2024-01-23. Review status: criteria provided, single submitter. Criteria: ACMG Guidelines, 2015. Collection method: clinical testing. Allele origin: unknown.

Ambry Genetics
Classification: Likely benign for Hereditary cancer-predisposing syndrome. Last evaluated: 2021-10-19. Review status: criteria provided, single submitter. Criteria: Ambry Variant Classification Scheme 2023. Collection method: clinical testing. Allele origin: germline.

Sema4
Classification: Likely benign for Hereditary cancer-predisposing syndrome. Last evaluated: 2021-06-21. Review status: criteria provided, single submitter. Criteria: Sema4 Curation Guidelines. Collection method: curation. Allele origin: germline.

Genome-Nilou Lab
Classification: Likely benign for Microcephaly, normal intelligence and immunodeficiency. Last evaluated: 2021-05-18. Review status: criteria provided, single submitter. Criteria: ACMG Guidelines, 2015. Collection method: clinical testing. Allele origin: germline. Affected: no.

GeneDx
Classification: Likely benign. Last evaluated: 2020-08-23. Review status: criteria provided, single submitter. Criteria: GeneDx Variant Classification Process June 2021. Collection method: clinical testing. Allele origin: germline. Affected: yes.
Comment: This variant is associated with the following publications: (PMID: 23525077, 26315354, 24728327, 26787654, 24894818, 26979391, 26193622, 12376507, 12427538, 31278556)

Illumina Laboratory Services, Illumina
Classification: Uncertain significance for Microcephaly, normal intelligence and immunodeficiency. Last evaluated: 2018-01-13. Review status: criteria provided, single submitter. Criteria: ICSL Variant Classification Criteria 13 December 2019. Collection method: clinical testing. Allele origin: germline.

Fulgent Genetics
Classification: Uncertain significance for Microcephaly, normal intelligence and immunodeficiency; Aplastic anemia; Acute lymphoid leukemia. Last evaluated: 2017-05-23. Review status: criteria provided, single submitter. Criteria: ACMG Guidelines, 2015. Collection method: clinical testing. Allele origin: unknown.

Genetic Services Laboratory, University of Chicago
Classification: Uncertain significance. Last evaluated: 2015-06-17. Review status: criteria provided, single submitter. Criteria: ACMG Guidelines, 2015. Collection method: clinical testing. Allele origin: germline.

ITMI
No classification provided. Condition: AllHighlyPenetrant. Last evaluated: 2013-09-19. Review status: no classification provided. Collection method: reference population. Allele origin: germline. Not counted in ClinVar's aggregate classification.
Comment: Please see associated publication for description of ethnicities